The following is an entry in ClinVar:

NM_004204.5(PIGQ):c.1529C>T (p.Ala510Val)

Gene: PIGQ (phosphatidylinositol glycan anchor biosynthesis class Q; plus strand). Cytogenetic location: 16p13.3.
Variant type: single nucleotide variant.
Coding change: c.1529C>T on transcript NM_004204.5 (MANE Select); coding-DNA position 1529, C replaced by T.
Protein change: p.Ala510Val; replaces alanine 510 with valine.
Molecular consequence: missense variant.
Genome position (GRCh38, 1-based): chr16:580,970, C>T. VCF-style: chr16-580970-C-T. GRCh37 (hg19) VCF-style: chr16-630970-C-T.
Other names: c.1529C>T, p.Ala510Val (NM_148920.4); short protein forms A510V.
Identifiers: ClinVar variation 1384502 (VCV001384502.4), dbSNP rs752541286, ClinGen allele CA394059481.

ClinVar aggregate classification (germline): Uncertain significance (1 of 4 stars; one submission).

Conditions:
Epilepsy. Also called: Seizure disorder. Identifiers: MedGen C0014544, MeSH D004827, MONDO:0005027.

gnomAD v4.1: 17 of 1,597,630 alleles (0.0011%); highest among the groups gnomAD compares: Non-Finnish European, 0.0013%; no homozygotes.

Submissions (2):

Labcorp Genetics (formerly Invitae), Labcorp
Classification: Uncertain significance for Epilepsy. Last evaluated: 2022-07-23. Review status: criteria provided, single submitter. Criteria: Invitae Variant Classification Sherloc (09022015). Collection method: clinical testing. Allele origin: germline.
Comment: This sequence change replaces alanine, which is neutral and non-polar, with valine, which is neutral and non-polar, at codon 510 of the PIGQ protein (p.Ala510Val). This variant is present in population databases (no rsID available, gnomAD 0.01%). This variant has not been reported in the literature in individuals affected with PIGQ-related conditions. ClinVar contains an entry for this variant (Variation ID: 1384502). Algorithms developed to predict the effect of missense changes on protein structure and function (SIFT, PolyPhen-2, Align-GVGD) all suggest that this variant is likely to be tolerated. Algorithms developed to predict the effect of sequence changes on RNA splicing suggest that this variant may create or strengthen a splice site. In summary, the available evidence is currently insufficient to determine the role of this variant in disease. Therefore, it has been classified as a Variant of Uncertain Significance.

Dr. Peter K. Rogan Lab, Western University
No classification provided (evidence only). Condition: Familial prostate cancer. Review status: no classification provided. Collection method: in vitro. Allele origin: not applicable. Functional consequence: retained intron. Not counted in ClinVar's aggregate classification.